The following is an entry in ClinVar:

NM_015386.3(COG4):c.1074C>T (p.Pro358=)

Gene: COG4 (component of oligomeric golgi complex 4; minus strand). Cytogenetic location: 16q22.1.
Variant type: single nucleotide variant.
Coding change: c.1074C>T on transcript NM_015386.3 (MANE Select); coding-DNA position 1074, C replaced by T.
Protein change: p.Pro358=; no amino-acid change (proline 358 retained).
Molecular consequence: synonymous variant. On other transcripts: non-coding transcript variant (1).
Genome position (GRCh38, 1-based): chr16:70,501,079, G>A on the plus strand (C>T on the coding strand, the complement: COG4 is on the minus strand). VCF-style: chr16-70501079-G-A. GRCh37 (hg19) VCF-style: chr16-70534982-G-A.
Other names: c.1062C>T, p.Pro354= (NM_001195139.2); c.648C>T, p.Pro216= (NM_001365426.1).
Identifiers: ClinVar variation 518142 (VCV000518142.19), dbSNP rs200278473, ClinGen allele CA8144444.

ClinVar aggregate classification (germline): Benign/Likely benign. Review status: criteria provided, multiple submitters, no conflicts (2 of 4 stars). 4 submissions from 4 submitters: Benign (1); Likely benign (3). Last evaluated 2025-09-01.

Conditions:
COG4-congenital disorder of glycosylation. Also called: CONGENITAL DISORDER OF GLYCOSYLATION, TYPE IIj; CDG IIj; COG4-CDG. Identifiers: Orphanet 263501, MedGen C4303552, MONDO:0013281, OMIM 613489.

Allele frequency attached by ClinVar (database versions not stated): gnomAD 0.00020 and 0.00021; ExAC 0.00021; gnomAD exomes 0.00021 and 0.00027; ESP Exome Variant Server 0.00023; TOPMed 0.00023.
gnomAD v4.1: 337 of 1,613,384 alleles (0.021%); highest among the groups gnomAD compares: Non-Finnish European, 0.018%; no homozygotes.

Submissions (4):

CeGaT Center for Human Genetics Tuebingen
Classification: Likely benign. Last evaluated: 2025-09-01. Review status: criteria provided, single submitter. Criteria: CeGaT Center For Human Genetics Tuebingen Variant Classification Criteria Version 2. Collection method: clinical testing. Allele origin: germline. Affected: yes. Observed: 2 variant alleles.
Comment: COG4: BP4, BP7

Blueprint Genetics
Classification: Likely benign. Last evaluated: 2024-11-15. Review status: criteria provided, single submitter. Criteria: ACMG Guidelines, 2015. Collection method: clinical testing. Allele origin: germline.

Labcorp Genetics (formerly Invitae), Labcorp
Classification: Benign for COG4-congenital disorder of glycosylation. Last evaluated: 2019-10-23. Review status: criteria provided, single submitter. Criteria: Invitae Variant Classification Sherloc (09022015). Collection method: clinical testing. Allele origin: germline.

GeneDx
Classification: Likely benign. Last evaluated: 2017-07-10. Review status: criteria provided, single submitter. Criteria: GeneDx Variant Classification (06012015). Collection method: clinical testing. Allele origin: germline. Affected: yes.
Comment: This variant is considered likely benign or benign based on one or more of the following criteria: it is a conservative change, it occurs at a poorly conserved position in the protein, it is predicted to be benign by multiple in silico algorithms, and/or has population frequency not consistent with disease.